The following is an entry in ClinVar:

ClinVar aggregate classification (germline): Likely pathogenic. Review status: criteria provided, multiple submitters, no conflicts (2 of 4 stars). 2 submissions from 2 submitters: Likely pathogenic (2). Last evaluated 2024-10-04.

Conditions:
L1CAM-related disorders.
X-linked hydrocephalus syndrome (HYCX). Also called: X-linked hydrocephalus; AQUEDUCTAL STENOSIS, X-LINKED; X-Linked Hydrocephalus with Stenosis of the Aqueduct of Sylvius; X-Linked Hydrocephalus with Stenosis of the Aqueduct of Sylvius (HSAS); HYDROCEPHALUS, CONGENITAL, X-LINKED. Identifiers: Orphanet 2182, MedGen C0265216, MONDO:0010611, OMIM 307000.

Submissions (2):

MVZ Praenatalmedizin und Genetik Nuernberg
Classification: Likely pathogenic for X-linked hydrocephalus syndrome. Last evaluated: 2024-10-04. Review status: criteria provided, single submitter. Criteria: ACMG Guidelines, 2015. Collection method: clinical testing. Allele origin: maternal. Affected: yes.
Comment: This variant is located in the highly conserved splicing-consensus-region at position +1 and is therefore considered likely pathogenic due to loss of function. Accordingly computer-based predictions (in silico) conducted for this purpose have resulted in a pathogenic assessment of the variant. However, no functional analyses are available to date. A literature search did not yield any additional information.

Blueprint Genetics
Classification: Likely pathogenic for L1CAM-related disorders. Last evaluated: 2021-12-17. Review status: criteria provided, single submitter. Criteria: ACMG Guidelines, 2015. Collection method: clinical testing. Allele origin: germline. Affected: yes. Observed: 1 variant allele.

NM_001278116.2(L1CAM):c.1379+1G>A

Gene: L1CAM (L1 cell adhesion molecule; minus strand). Cytogenetic location: Xq28.
Variant type: single nucleotide variant.
Coding change: c.1379+1G>A on transcript NM_001278116.2 (MANE Select); the canonical splice donor site of the intron after coding-DNA position 1379, G replaced by A.
Molecular consequence: splice donor variant.
Genome position (GRCh38, 1-based): chrX:153,868,840, C>T on the plus strand (G>A on the coding strand, the complement: L1CAM is on the minus strand). VCF-style: chrX-153868840-C-T. GRCh37 (hg19) VCF-style: chrX-153134295-C-T.
Other names: c.1364+1G>A (NM_001143963.2); c.1379+1G>A (NM_024003.3, NM_000425.5).
Identifiers: ClinVar variation 4813442 (VCV004813442.2).
Genomic context (GRCh38, chrX:153,868,840, plus strand): 5'-CCTCCCTGGCTCCCTGGCCACTGGGACACGACACTCACCACTACCAGGACGAGACACTCA[C>T]CACTGAACACTGGGCACAGGCGCTCCGAAGGCCTTGCACAGAAGGTAGGCAGTGCTGCCC-3'